The following is an entry in ClinVar:

ClinVar aggregate classification (germline): Uncertain significance (1 of 4 stars; one submission).

Conditions:
Hereditary cancer-predisposing syndrome. Also called: Tumor predisposition; Neoplastic Syndromes, Hereditary; Hereditary neoplastic syndrome; Hereditary Cancer Syndrome. Identifiers: Orphanet 140162, MedGen C0027672, MeSH D009386, MONDO:0015356.

Submission:

Ambry Genetics
Classification: Uncertain significance for Hereditary cancer-predisposing syndrome. Last evaluated: 2025-08-27. Review status: criteria provided, single submitter. Criteria: Ambry Variant Classification Scheme 2023. Collection method: clinical testing. Allele origin: germline.
Comment: The p.L353M variant (also known as c.1057C>A), located in coding exon 12 of the MUTYH gene, results from a C to A substitution at nucleotide position 1057. The leucine at codon 353 is replaced by methionine, an amino acid with highly similar properties. This amino acid position is conserved. In addition, this alteration is predicted to be tolerated by in silico analysis. Based on the available evidence, the clinical significance of this variant remains unclear.

NM_001048174.2(MUTYH):c.973C>A (p.Leu325Met)

Gene: MUTYH (mutY DNA glycosylase; minus strand). Cytogenetic location: 1p34.1.
Variant type: single nucleotide variant.
Coding change: c.973C>A on transcript NM_001048174.2 (MANE Select); coding-DNA position 973, C replaced by A.
Protein change: p.Leu325Met; replaces leucine 325 with methionine.
Molecular consequence: missense variant. On other transcripts: non-coding transcript variant (7).
Genome position (GRCh38, 1-based): chr1:45,331,790, G>T on the plus strand (C>A on the coding strand, the complement: MUTYH is on the minus strand). VCF-style: chr1-45331790-G-T. GRCh37 (hg19) VCF-style: chr1-45797462-G-T.
Other names: c.1006C>A, p.Leu336Met (NM_001293191.2, NM_001407069.1, NM_001407077.1); c.697C>A, p.Leu233Met (NM_001293192.2, NM_001293196.2, NM_001407091.1); c.973C>A, p.Leu325Met (NM_001293195.2, NM_001407070.1, NM_001407072.1 and 6 more transcripts); c.628C>A, p.Leu210Met (NM_001350650.2, NM_001350651.2, NM_001407082.1); c.976C>A, p.Leu326Met (NM_001407071.1, NM_001407078.1, NM_001048172.2 and 1 more transcripts); c.889C>A, p.Leu297Met (NM_001407075.1); c.934C>A, p.Leu312Met (NM_001407079.1); c.931C>A, p.Leu311Met (NM_001407080.1); and 5 more; short protein forms L210M, L233M, L297M, L312M, L339M, L326M, L336M, L340M.
Identifiers: ClinVar variation 4112972 (VCV004112972.1).